The following is an entry in ClinVar:

NM_001386795.1(DTNA):c.1532+18T>C

Gene: DTNA (dystrobrevin alpha; plus strand). Cytogenetic location: 18q12.1.
Variant type: single nucleotide variant.
Coding change: c.1532+18T>C on transcript NM_001386795.1 (MANE Select); 18 bases into the intron after coding-DNA position 1532, T replaced by C.
Molecular consequence: intron variant.
Genome position (GRCh38, 1-based): chr18:34,851,946, T>C. VCF-style: chr18-34851946-T-C. GRCh37 (hg19) VCF-style: chr18-32431910-T-C.
Other names: c.1280+18T>C (NM_032975.4, NM_001386761.1, NM_032979.5); c.1277+18T>C (NM_001386762.1); c.1361+18T>C (NM_001386754.1, NM_001386755.1, NM_001386757.1 and 4 more transcripts); c.1358+18T>C (NM_001386760.1); c.1271+18T>C (NM_001386763.1, NM_001386764.1, NM_001386771.1 and 9 more transcripts); c.1268+18T>C (NM_001386768.1, NM_001386773.1, NM_001386769.1 and 1 more transcripts); c.701+18T>C (NM_001198945.2); c.1532+18T>C (NM_001386788.1); and 7 more.
Identifiers: ClinVar variation 137176 (VCV000137176.11), dbSNP rs115712655, ClinGen allele CA290691.

ClinVar aggregate classification (germline): Benign. Review status: criteria provided, multiple submitters, no conflicts (2 of 4 stars). 4 submissions from 4 submitters: Benign (4). Last evaluated 2026-02-04.

Conditions:
Left ventricular noncompaction 1 (LVNC1). Also called: LEFT VENTRICULAR NONCOMPACTION 1 WITH OR WITHOUT CONGENITAL HEART DEFECTS. Identifiers: Orphanet 54260, MedGen C1858725, MONDO:0011403, OMIM 604169.

Allele frequency attached by ClinVar (database versions not stated): TOPMed 0.00871; ESP Exome Variant Server 0.00815; 1000 Genomes Project 30x 0.01093; 1000 Genomes Project 0.01098.
gnomAD v4.1: 2,365 of 1,612,216 alleles (0.15%); highest among the groups gnomAD compares: African/African-American, 2.8%; 40 homozygotes.

Submissions (4):

Labcorp Genetics (formerly Invitae), Labcorp
Classification: Benign for Left ventricular noncompaction 1. Last evaluated: 2026-02-04. Review status: criteria provided, single submitter. Criteria: Invitae Variant Classification Sherloc (09022015). Collection method: clinical testing. Allele origin: germline.

Women's Health and Genetics/Laboratory Corporation of America, LabCorp
Classification: Benign. Last evaluated: 2021-02-08. Review status: criteria provided, single submitter. Criteria: LabCorp Variant Classification Summary - May 2015. Collection method: clinical testing. Allele origin: germline.
Comment: Variant summary: DTNA c.1451+18T>C alters a non-conserved nucleotide located close to a canonical splice site and therefore could affect mRNA splicing, leading to a significantly altered protein sequence. 4/4 computational tools predict no significant impact on normal splicing. However, these predictions have yet to be confirmed by functional studies. The variant allele was found at a frequency of 0.0021 in 250678 control chromosomes, predominantly at a frequency of 0.029 within the African or African-American subpopulation in the gnomAD database, including 8 homozygotes. The observed variant frequency within African or African-American control individuals in the gnomAD database is approximately 9280-fold of the estimated maximal expected allele frequency for a pathogenic variant in DTNA causing Left Ventricular Noncompaction phenotype (3.1e-06), strongly suggesting that the variant is a benign polymorphism found primarily in populations of African or African-American origin. To our knowledge, no occurrence of c.1451+18T>C in individuals affected with Left Ventricular Noncompaction and no experimental evidence demonstrating its impact on protein function have been reported. No clinical diagnostic laboratories have submitted clinical-significance assessments for this variant to ClinVar after 2014. Based on the evidence outlined above, the variant was classified as benign.

GeneDx
Classification: Benign. Last evaluated: 2014-01-23. Review status: criteria provided, single submitter. Criteria: GeneDx Variant Classification (06012015). Collection method: clinical testing. Allele origin: germline. Affected: yes.
Comment: This variant is considered likely benign or benign based on one or more of the following criteria: it is a conservative change, it occurs at a poorly conserved position in the protein, it is predicted to be benign by multiple in silico algorithms, and/or has population frequency not consistent with disease.

Breakthrough Genomics
Classification: Benign. Review status: criteria provided, single submitter. Criteria: ACMG Guidelines, 2015. Collection method: not provided. Allele origin: germline. Inheritance: Autosomal dominant inheritance. Affected: yes.